The following is an entry in ClinVar:

ClinVar aggregate classification (germline): Uncertain significance (1 of 4 stars; one submission).

Submission:

GeneDx
Classification: Uncertain significance. Last evaluated: 2026-03-21. Review status: criteria provided, single submitter. Criteria: GeneDx Variant Classification Process June 2021. Collection method: clinical testing. Allele origin: germline.
Comment: Not observed at significant frequency in large population cohorts (gnomAD); In silico analysis supports that this missense variant has a deleterious effect on protein structure/function; Has not been previously published as pathogenic or benign to our knowledge

NM_001039591.3(USP9X):c.3527C>T (p.Pro1176Leu)

Gene: USP9X (ubiquitin specific peptidase 9 X-linked; plus strand). Cytogenetic location: Xp11.4.
Variant type: single nucleotide variant.
Coding change: c.3527C>T on transcript NM_001039591.3 (MANE Select); coding-DNA position 3527, C replaced by T.
Protein change: p.Pro1176Leu; replaces proline 1176 with leucine.
Molecular consequence: missense variant.
Genome position (GRCh38, 1-based): chrX:41,184,644, C>T. VCF-style: chrX-41184644-C-T. GRCh37 (hg19) VCF-style: chrX-41043897-C-T.
Other names: c.3527C>T, p.Pro1176Leu (NM_001039590.3); c.3542C>T, p.Pro1181Leu (NM_001410748.1, NM_001410749.1, NM_001437534.1); short protein forms P1176L, P1181L.
Identifiers: ClinVar variation 5009573 (VCV005009573.1).
Genomic context (GRCh38, chrX:41,184,644, plus strand): 5'-AGCTTTTGCTAACTGCCATTGGCTATGGTCATGTTCGAGCTGTGGCAGAAGCTTGTCAGC[C>T]AGGTGTAGAAGGTGTGAATCCCATGACACAGGTAATACAGACTTTTTAAAAATCCTTTTA-3'
Protein context (NP_001034680.2, residues 1166-1186): HVRAVAEACQ[Pro1176Leu]GVEGVNPMTQ